The following is an entry in ClinVar:

ClinVar aggregate classification (germline): Likely benign. Review status: criteria provided, multiple submitters, no conflicts (2 of 4 stars). 5 submissions from 5 submitters: Likely benign (5). Last evaluated 2026-09-10.

Conditions:
MTMR2-related disorder. Also called: MTMR2-related condition.
Inborn genetic diseases. Identifiers: MedGen C0950123, MeSH D030342.
Charcot-Marie-Tooth disease type 4. Also called: Charcot-Marie-Tooth disease, type IV; Charcot-Marie-Tooth, Type 4. Identifiers: Orphanet 64749, MedGen C4082197, MONDO:0018995.

Allele frequency attached by ClinVar (database versions not stated): gnomAD 0.00001 and 0.00002; TOPMed 0.00002.
gnomAD v4.1: 53 of 1,585,736 alleles (0.0033%); highest among the groups gnomAD compares: Middle Eastern, 0.033%; no homozygotes.

Submissions (5):

PreventionGenetics, part of Exact Sciences
Classification: Likely benign for MTMR2-related condition. Last evaluated: 2026-09-10. Review status: criteria provided, single submitter. Criteria: ACMG Guidelines, 2015. Collection method: clinical testing. Allele origin: germline.
Comment: This variant is classified as likely benign based on ACMG/AMP sequence variant interpretation guidelines (Richards et al. 2015 PMID: 25741868, with internal and published modifications).

Women's Health and Genetics/Laboratory Corporation of America, LabCorp
Classification: Likely benign. Last evaluated: 2025-10-31. Review status: criteria provided, single submitter. Criteria: LabCorp Variant Classification Summary - May 2015. Collection method: clinical testing. Allele origin: germline.

Labcorp Genetics (formerly Invitae), Labcorp
Classification: Likely benign for Charcot-Marie-Tooth disease type 4. Last evaluated: 2025-03-09. Review status: criteria provided, single submitter. Criteria: Invitae Variant Classification Sherloc (09022015). Collection method: clinical testing. Allele origin: germline.

Ambry Genetics
Classification: Likely benign for Inborn genetic diseases. Last evaluated: 2023-06-08. Review status: criteria provided, single submitter. Criteria: Ambry Variant Classification Scheme 2023. Collection method: clinical testing. Allele origin: germline.

GeneDx
Classification: Likely benign. Last evaluated: 2018-01-30. Review status: criteria provided, single submitter. Criteria: GeneDx Variant Classification (06012015). Collection method: clinical testing. Allele origin: germline. Affected: yes.
Comment: This variant is considered likely benign or benign based on one or more of the following criteria: it is a conservative change, it occurs at a poorly conserved position in the protein, it is predicted to be benign by multiple in silico algorithms, and/or has population frequency not consistent with disease.

NM_016156.6(MTMR2):c.81-4G>C

Gene: MTMR2 (myotubularin related protein 2; minus strand). Cytogenetic location: 11q21.
Variant type: single nucleotide variant.
Coding change: c.81-4G>C on transcript NM_016156.6 (MANE Select); 4 bases into the intron before coding-DNA position 81, G replaced by C.
Molecular consequence: intron variant.
Genome position (GRCh38, 1-based): chr11:95,888,265, C>G on the plus strand (G>C on the coding strand, the complement: MTMR2 is on the minus strand). VCF-style: chr11-95888265-C-G. GRCh37 (hg19) VCF-style: chr11-95621429-C-G.
Other names: c.-136-4G>C (NM_201281.3); c.-259-4G>C (NM_201278.3); c.-332-4G>C (NM_001243571.2).
Identifiers: ClinVar variation 515067 (VCV000515067.13), dbSNP rs757563852, ClinGen allele CA6240470.